The following is an entry in ClinVar:

ClinVar aggregate classification (germline): Uncertain significance (1 of 4 stars; one submission).

gnomAD v4.1: 3 of 1,614,230 alleles (0.00019%); highest among the groups gnomAD compares: Non-Finnish European, 0.00025%; no homozygotes.

Submission:

GeneDx
Classification: Uncertain significance. Last evaluated: 2024-06-23. Review status: criteria provided, single submitter. Criteria: GeneDx Variant Classification Process June 2021. Collection method: clinical testing. Allele origin: germline. Affected: yes.
Comment: Not observed at significant frequency in large population cohorts (gnomAD); In silico analysis supports that this missense variant has a deleterious effect on protein structure/function; Has not been previously published as pathogenic or benign to our knowledge

NM_005559.4(LAMA1):c.7975T>A (p.Phe2659Ile)

Genes: LAMA1 (laminin subunit alpha 1; minus strand), LOC101927188 (uncharacterized LOC101927188; plus strand). Cytogenetic location: 18p11.31.
Variant type: single nucleotide variant.
Coding change: c.7975T>A on transcript NM_005559.4 (MANE Select); coding-DNA position 7975, T replaced by A.
Protein change: p.Phe2659Ile; replaces phenylalanine 2659 with isoleucine.
Molecular consequence: missense variant. On other transcripts: non-coding transcript variant (1).
Genome position (GRCh38, 1-based): chr18:6,956,755, A>T on the plus strand (T>A on the coding strand, the complement: LAMA1 is on the minus strand). VCF-style: chr18-6956755-A-T. GRCh37 (hg19) VCF-style: chr18-6956754-A-T.
Other names: short protein forms F2659I.
Identifiers: ClinVar variation 3391742 (VCV003391742.1).